The following is an entry in ClinVar:

ClinVar aggregate classification (germline): Benign/Likely benign. Review status: criteria provided, multiple submitters, no conflicts (2 of 4 stars). 6 submissions from 6 submitters: Benign (4); Likely benign (1). 1 of the submissions does not count toward it. Last evaluated 2026-01-31.

Conditions:
NEBL-related disorder. Also called: NEBL-related condition.
Primary dilated cardiomyopathy (DCM). Also called: Dilated Cardiomyopathy. Identifiers: Orphanet 217604, MedGen C0007193, MeSH D002311, MONDO:0005021, HP:0001644. Inheritance: Various modes of inheritance.

Allele frequency attached by ClinVar (database versions not stated): gnomAD 0.00127 and 0.00135; ExAC 0.00041; 1000 Genomes Project 0.00100; gnomAD exomes 0.00016 and 0.00038; ESP Exome Variant Server 0.00123; TOPMed 0.00136; 1000 Genomes Project 30x 0.00156.
gnomAD v4.1: 426 of 1,613,358 alleles (0.026%); highest among the groups gnomAD compares: African/African-American, 0.47%; 2 homozygotes.

Submissions (6):

Labcorp Genetics (formerly Invitae), Labcorp
Classification: Benign for Primary dilated cardiomyopathy. Last evaluated: 2026-01-31. Review status: criteria provided, single submitter. Criteria: Invitae Variant Classification Sherloc (09022015). Collection method: clinical testing. Allele origin: germline.

Women's Health and Genetics/Laboratory Corporation of America, LabCorp
Classification: Benign. Last evaluated: 2023-08-19. Review status: criteria provided, single submitter. Criteria: LabCorp Variant Classification Summary - May 2015. Collection method: clinical testing. Allele origin: germline.

Ambry Genetics
Classification: Likely benign. Last evaluated: 2022-02-21. Review status: criteria provided, single submitter. Criteria: Ambry Variant Classification Scheme 2023. Collection method: clinical testing. Allele origin: germline.

GeneDx
Classification: Benign. Last evaluated: 2015-09-28. Review status: criteria provided, single submitter. Criteria: GeneDx Variant Classification (06012015). Collection method: clinical testing. Allele origin: germline. Affected: yes.
Comment: This variant is considered likely benign or benign based on one or more of the following criteria: it is a conservative change, it occurs at a poorly conserved position in the protein, it is predicted to be benign by multiple in silico algorithms, and/or has population frequency not consistent with disease.

Laboratory for Molecular Medicine, Mass General Brigham Personalized Medicine
Classification: Benign. Last evaluated: 2012-03-19. Review status: criteria provided, single submitter. Criteria: LMM Criteria. Collection method: clinical testing. Allele origin: germline. Observed: 2 variant alleles.
Comment: p.Asp895Asp in Exon 26 of NEBL: This variant is not expected to have clinical si gnificance because it does not alter an amino acid residue, is not located withi n the splice consensus sequence and has been identified in 0.3% (12/3738) of Afr ican American chromosomes from a broad population by the NHLBI Exome Sequencing Project (dbSNP rs140245727).

PreventionGenetics, part of Exact Sciences
Classification: Likely benign for NEBL-related condition. Last evaluated: 2019-09-10. Review status: no assertion criteria provided. Collection method: clinical testing. Allele origin: germline. Not counted in ClinVar's aggregate classification.
Comment: This variant is classified as likely benign based on ACMG/AMP sequence variant interpretation guidelines (Richards et al. 2015 PMID: 25741868, with internal and published modifications).

NM_006393.3(NEBL):c.2685C>T (p.Asp895=)

Gene: NEBL (nebulette; minus strand). Cytogenetic location: 10p12.31.
Variant type: single nucleotide variant.
Coding change: c.2685C>T on transcript NM_006393.3 (MANE Select); coding-DNA position 2685, C replaced by T.
Protein change: p.Asp895=; no amino-acid change (aspartic acid 895 retained).
Molecular consequence: synonymous variant. On other transcripts: intron variant (9).
Genome position (GRCh38, 1-based): chr10:20,808,586, G>A on the plus strand (C>T on the coding strand, the complement: NEBL is on the minus strand). VCF-style: chr10-20808586-G-A. GRCh37 (hg19) VCF-style: chr10-21097515-G-A.
Other names: c.421+4183C>T (NM_001377326.1, NM_001377327.1, NM_001377328.1); c.529+4183C>T (NM_213569.2, NM_001173484.2); c.622+1220C>T (NM_001377322.1); c.472+4183C>T (NM_001377324.1); c.463+4183C>T (NM_001377325.1); c.481+4183C>T (NM_001377323.1).
Identifiers: ClinVar variation 178093 (VCV000178093.21), dbSNP rs140245727, ClinGen allele CA181384.